The following is an entry in ClinVar:

ClinVar aggregate classification (germline): Uncertain significance (1 of 4 stars; one submission).

Allele frequency attached by ClinVar (database versions not stated): gnomAD exomes below 0.00001; ExAC 0.00001.
gnomAD v4.1: 1 of 1,595,724 alleles (0.000063%); highest among the groups gnomAD compares: Non-Finnish European, 0.000086%; no homozygotes.

Submission:

Labcorp Genetics (formerly Invitae), Labcorp
Classification: Uncertain significance. Last evaluated: 2025-02-25. Review status: criteria provided, single submitter. Criteria: Invitae Variant Classification Sherloc (09022015). Collection method: clinical testing. Allele origin: germline.
Comment: This sequence change replaces tryptophan, which is neutral and slightly polar, with arginine, which is basic and polar, at codon 2192 of the HMCN1 protein (p.Trp2192Arg). This variant is present in population databases (rs749328052, gnomAD 0.003%). This variant has not been reported in the literature in individuals affected with HMCN1-related conditions. ClinVar contains an entry for this variant (Variation ID: 1942991). An algorithm developed to predict the effect of missense changes on protein structure and function (PolyPhen-2) suggests that this variant is likely to be disruptive. In summary, the available evidence is currently insufficient to determine the role of this variant in disease. Therefore, it has been classified as a Variant of Uncertain Significance.

NM_031935.3(HMCN1):c.6574T>C (p.Trp2192Arg)

Gene: HMCN1 (hemicentin 1; plus strand). Cytogenetic location: 1q31.1.
Variant type: single nucleotide variant.
Coding change: c.6574T>C on transcript NM_031935.3 (MANE Select); coding-DNA position 6574, T replaced by C.
Protein change: p.Trp2192Arg; replaces tryptophan 2192 with arginine.
Molecular consequence: missense variant.
Genome position (GRCh38, 1-based): chr1:186,048,836, T>C. VCF-style: chr1-186048836-T-C. GRCh37 (hg19) VCF-style: chr1-186017968-T-C.
Other names: short protein forms W2192R.
Identifiers: ClinVar variation 1942991 (VCV001942991.5), dbSNP rs749328052, ClinGen allele CA1292604.
Genomic context (GRCh38, chr1:186,048,836, plus strand): 5'-TACACTTGTGAAGCAACAAATGTTGCTGGAAAAACTGAAAAAAACTACAATGTCAACATT[T>C]GGGGTAAGTGTAATCAGCTCTTGAAAGCAAATAATGCAGCTGTGGTTTTTTGTGTCACTT-3'
Protein context (NP_114141.2, residues 2182-2202): KTEKNYNVNI[Trp2192Arg]VPPNIGGSDE